The following is an entry in ClinVar:

NM_000352.6(ABCC8):c.709A>G (p.Ile237Val)

Gene: ABCC8 (ATP binding cassette subfamily C member 8; minus strand). Cytogenetic location: 11p15.1.
Variant type: single nucleotide variant.
Coding change: c.709A>G on transcript NM_000352.6 (MANE Select); coding-DNA position 709, A replaced by G.
Protein change: p.Ile237Val; replaces isoleucine 237 with valine.
Molecular consequence: missense variant. On other transcripts: non-coding transcript variant (1).
Genome position (GRCh38, 1-based): chr11:17,461,696, T>C on the plus strand (A>G on the coding strand, the complement: ABCC8 is on the minus strand). VCF-style: chr11-17461696-T-C. GRCh37 (hg19) VCF-style: chr11-17483243-T-C.
Other names: c.709A>G, p.Ile237Val (NM_001287174.3, NM_001351295.2, NM_001351296.2 and 1 more transcripts); short protein forms I237V.
Identifiers: ClinVar variation 3768631 (VCV003768631.1).
Genomic context (GRCh38, chr11:17,461,696, plus strand): 5'-TGGCGATGGGCAGCTTCCCGATGGCTCGCAAGTCGATGGGCTTCTTGTGGGCAGTCTTGA[T>C]GAAGGCGTTCATCCACCAGTAGGTGCCTTTGGACAGCAGATTCACGAAGGGCTGCAGGAA-3'
Protein context (NP_000343.2, residues 227-247): KGTYWWMNAF[Ile237Val]KTAHKKPIDL

ClinVar aggregate classification (germline): Uncertain significance (1 of 4 stars; one submission).

gnomAD v4.1: 5 of 1,614,220 alleles (0.00031%); highest among the groups gnomAD compares: East Asian, 0.0089%; no homozygotes.

Submission:

Women's Health and Genetics/Laboratory Corporation of America, LabCorp
Classification: Uncertain significance. Last evaluated: 2025-02-10. Review status: criteria provided, single submitter. Criteria: LabCorp Variant Classification Summary - May 2015. Collection method: clinical testing. Allele origin: germline.
Comment: Variant summary: ABCC8 c.709A>G (p.Ile237Val) results in a conservative amino acid change in the encoded protein sequence. Four of five in-silico tools predict a damaging effect of the variant on protein function. The variant allele was found at a frequency of 1.6e-05 in 251492 control chromosomes. The available data on variant occurrences in the general population are insufficient to allow any conclusion about variant significance. To our knowledge, no occurrence of c.709A>G in individuals affected with Familial Hyperinsulinism and no experimental evidence demonstrating its impact on protein function have been reported. No submitters have cited clinical-significance assessments for this variant to ClinVar. Based on the evidence outlined above, the variant was classified as uncertain significance.